The following is an entry in ClinVar:

ClinVar aggregate classification (germline): Uncertain significance (1 of 4 stars; one submission).

Conditions:
Cardiovascular phenotype. Identifiers: MedGen CN230736.

Submission:

Ambry Genetics
Classification: Uncertain significance for Cardiovascular phenotype. Last evaluated: 2026-03-27. Review status: criteria provided, single submitter. Criteria: Ambry Variant Classification Scheme 2023. Collection method: clinical testing. Allele origin: germline.
Comment: The c.1026_1032dupACTCATC variant, located in coding exon 5 of the SNTA1 gene, results from a duplication of ACTCATC at nucleotide position 1026, causing a translational frameshift with a predicted alternate stop codon (p.A345Tfs*95). The evidence for this gene-disease relationship is limited; therefore, the clinical significance of this variant is unclear.

NM_003098.3(SNTA1):c.1026_1032dup (p.Ala345fs)

Gene: SNTA1 (syntrophin alpha 1; minus strand). Cytogenetic location: 20q11.21.
Variant type: Duplication.
Coding change: c.1026_1032dup on transcript NM_003098.3 (MANE Select); coding-DNA positions 1026 to 1032, 7 bases duplicated (ACTCATC; older notation c.1026_1032dupACTCATC).
Protein change: p.Ala345fs; shifts the reading frame from alanine 345.
Molecular consequence: frameshift variant.
Genome position (GRCh38, 1-based): chr20:33,412,304-33,412,310, GATGAGT duplicated on the plus strand (ACTCATC on the coding strand, the reverse complement: SNTA1 is on the minus strand); duplicating any 7 consecutive bases within chr20:33,412,304-33,412,311 gives the same sequence; the c. name uses the placement nearest the transcript's 3' end. VCF-style (leftmost placement, unchanged base first): chr20-33412303-C-CGATGAGT. GRCh37 (hg19) VCF-style: chr20-32000109-C-CGATGAGT.
Other names: c.1026_1032dup, p.Ala345fs (NM_001424414.1, NM_001424413.1); c.1026_1032dupACTCATC (NM_003098.2); short protein forms A345fs.
Identifiers: ClinVar variation 4864919 (VCV004864919.1).